The following is an entry in ClinVar:

ClinVar aggregate classification (germline): Uncertain significance (1 of 4 stars; one submission).

Allele frequency attached by ClinVar (database versions not stated): 1000 Genomes Project 30x 0.00016; 1000 Genomes Project 0.00020.
gnomAD v4.1: 13 of 1,613,182 alleles (0.00081%); highest among the groups gnomAD compares: East Asian, 0.025%; no homozygotes.

Submission:

Labcorp Genetics (formerly Invitae), Labcorp
Classification: Uncertain significance. Last evaluated: 2021-09-08. Review status: criteria provided, single submitter. Criteria: Invitae Variant Classification Sherloc (09022015). Collection method: clinical testing. Allele origin: germline.
Comment: This sequence change replaces arginine with leucine at codon 999 of the HPS3 protein (p.Arg999Leu). The arginine residue is moderately conserved and there is a moderate physicochemical difference between arginine and leucine. This variant is present in population databases (rs527240120, ExAC 0.05%). This variant has not been reported in the literature in individuals affected with HPS3-related conditions. Algorithms developed to predict the effect of missense changes on protein structure and function (SIFT, PolyPhen-2, Align-GVGD) all suggest that this variant is likely to be tolerated. In summary, the available evidence is currently insufficient to determine the role of this variant in disease. Therefore, it has been classified as a Variant of Uncertain Significance.

NM_032383.5(HPS3):c.2996G>T (p.Arg999Leu)

Genes: CP (ceruloplasmin; minus strand), HPS3 (HPS3 biogenesis of lysosomal organelles complex 2 subunit 1; plus strand). Cytogenetic location: 3q24.
Variant type: single nucleotide variant.
Coding change: c.2996G>T on transcript NM_032383.5 (MANE Select); coding-DNA position 2996, G replaced by T.
Protein change: p.Arg999Leu; replaces arginine 999 with leucine.
Molecular consequence: missense variant.
Genome position (GRCh38, 1-based): chr3:149,172,203, G>T. VCF-style: chr3-149172203-G-T. GRCh37 (hg19) VCF-style: chr3-148889990-G-T.
Other names: c.2501G>T, p.Arg834Leu (NM_001308258.2); short protein forms R834L, R999L.
Identifiers: ClinVar variation 2139753 (VCV002139753.1), dbSNP rs527240120, ClinGen allele CA2660519.